The following is an entry in ClinVar:

NM_003673.4(TCAP):c.414_415delinsAT (p.Gln139Ter)

Gene: TCAP (titin-cap; plus strand). Cytogenetic location: 17q12.
Variant type: Indel.
Coding change: c.414_415delinsAT on transcript NM_003673.4 (MANE Select); coding-DNA positions 414 to 415, GC replaced by AT.
Protein change: p.Gln139Ter; replaces glutamine 139 with a stop codon.
Molecular consequence: nonsense.
Genome position (GRCh38, 1-based): chr17:39,666,019-39,666,020, GC replaced by AT. VCF-style: chr17-39666019-GC-AT. GRCh37 (hg19) VCF-style: chr17-37822272-GC-AT.
Other names: short protein forms Q139*.
Identifiers: ClinVar variation 3757802 (VCV003757802.2).

ClinVar aggregate classification (germline): Uncertain significance (1 of 4 stars; one submission).

Conditions:
Primary familial hypertrophic cardiomyopathy (HCM). Identifiers: Orphanet 99739, MedGen C0949658, MeSH D024741, MONDO:0024573. Inheritance: Various modes of inheritance.
Hypertrophic cardiomyopathy 25 (CMH25). Also called: CARDIOMYOPATHY, FAMILIAL HYPERTROPHIC, 25. Identifiers: MedGen C4225408, MONDO:0011843, OMIM 607487.

Submission:

Labcorp Genetics (formerly Invitae), Labcorp
Classification: Uncertain significance for Hypertrophic cardiomyopathy 25; Primary familial hypertrophic cardiomyopathy. Last evaluated: 2024-08-22. Review status: criteria provided, single submitter. Criteria: Invitae Variant Classification Sherloc (09022015). Collection method: clinical testing. Allele origin: germline.
Comment: This sequence change creates a premature translational stop signal (p.Gln139*) in the TCAP gene. While this is not anticipated to result in nonsense mediated decay, it is expected to disrupt the last 29 amino acid(s) of the TCAP protein. Information on the frequency of this variant in the gnomAD database is not available, as this variant may be reported differently in the database. This variant has not been reported in the literature in individuals affected with TCAP-related conditions. Experimental studies and prediction algorithms are not available or were not evaluated, and the functional significance of this variant is currently unknown. In summary, the available evidence is currently insufficient to determine the role of this variant in disease. Therefore, it has been classified as a Variant of Uncertain Significance.